The following is an entry in ClinVar:

NM_020937.4(FANCM):c.2267G>A (p.Arg756His)

Gene: FANCM (FA complementation group M; plus strand). Cytogenetic location: 14q21.2.
Variant type: single nucleotide variant.
Coding change: c.2267G>A on transcript NM_020937.4 (MANE Select); coding-DNA position 2267, G replaced by A.
Protein change: p.Arg756His; replaces arginine 756 with histidine.
Molecular consequence: missense variant.
Genome position (GRCh38, 1-based): chr14:45,173,161, G>A. VCF-style: chr14-45173161-G-A. GRCh37 (hg19) VCF-style: chr14-45642364-G-A.
Other names: c.2267G>A (LRG_502t1); c.2189G>A, p.Arg730His (NM_001308133.2); short protein forms R756H, R730H.
Identifiers: ClinVar variation 456253 (VCV000456253.28), dbSNP rs142763060, ClinGen allele CA7169305.

ClinVar aggregate classification (germline): Conflicting classifications of pathogenicity. Review status: criteria provided, conflicting classifications (1 of 4 stars). 8 submissions from 8 submitters: Uncertain significance (2); Likely benign (5). 1 of the submissions does not count toward it. Last evaluated 2026-01-19.

Conditions:
Premature ovarian failure 15. Identifiers: MedGen C4748170, MONDO:0054862, OMIM 618096.
FANCM-related disorder. Also called: FANCM-related condition.
Hereditary cancer-predisposing syndrome. Also called: Neoplastic Syndromes, Hereditary; Hereditary Cancer Syndrome; Hereditary neoplastic syndrome; Tumor predisposition. Identifiers: Orphanet 140162, MedGen C0027672, MeSH D009386, MONDO:0015356.
Fanconi anemia (FA). Also called: Fanconi's anemia. Identifiers: Orphanet 84, MedGen C0015625, MeSH D005199, MONDO:0019391.

Allele frequency attached by ClinVar (database versions not stated): gnomAD 0.00020 and 0.00032; TOPMed 0.00020; ESP Exome Variant Server 0.00023; 1000 Genomes Project 30x 0.00078; 1000 Genomes Project 0.00100.
gnomAD v4.1: 572 of 1,613,548 alleles (0.035%); highest among the groups gnomAD compares: South Asian, 0.33%; 1 homozygote.

Submissions (8):

Labcorp Genetics (formerly Invitae), Labcorp
Classification: Likely benign for Fanconi anemia. Last evaluated: 2026-01-19. Review status: criteria provided, single submitter. Criteria: Invitae Variant Classification Sherloc (09022015). Collection method: clinical testing. Allele origin: germline.

Dasa
Classification: Likely benign. Last evaluated: 2025-12-08. Review status: criteria provided, single submitter. Criteria: DASA Assertion Criteria. Collection method: clinical testing. Allele origin: germline.
Comment: NM_020937.4(FANCM):c.2267G>A (p.Arg756His) is a missense variant that results in the substitution of arginine with histidine. Multiple computational predictions suggest no deleterious effect on the gene or gene product. The variant is present at low frequency in population datasets. Based on the available data, this variant is classified as likely benign.

GeneDx
Classification: Uncertain significance. Last evaluated: 2025-07-18. Review status: criteria provided, single submitter. Criteria: GeneDx Variant Classification Process June 2021. Collection method: clinical testing. Allele origin: germline. Affected: yes.
Comment: In silico analysis suggests that this missense variant does not alter protein structure/function; Observed in individuals with ovarian or breast cancer, but also present in unaffected controls (PMID: 28881617, 33471991, 36315097); This variant is associated with the following publications: (PMID: 33471991, 28881617, 36315097, 29641532, 26689913)

Quest Diagnostics Nichols Institute San Juan Capistrano
Classification: Likely benign. Last evaluated: 2025-01-19. Review status: criteria provided, single submitter. Criteria: Quest Diagnostics criteria. Collection method: clinical testing. Allele origin: unknown.

Blueprint Genetics
Classification: Likely benign. Last evaluated: 2024-11-26. Review status: criteria provided, single submitter. Criteria: ACMG Guidelines, 2015. Collection method: clinical testing. Allele origin: germline.

KCCC/NGS Laboratory, Kuwait Cancer Control Center
Classification: Likely benign for Premature ovarian failure 15. Last evaluated: 2023-07-07. Review status: criteria provided, single submitter. Criteria: ACMG Guidelines, 2015. Collection method: clinical testing. Allele origin: germline. Affected: yes.

Sema4
Classification: Uncertain significance for Hereditary cancer-predisposing syndrome. Last evaluated: 2021-11-22. Review status: criteria provided, single submitter. Criteria: Sema4 Curation Guidelines. Collection method: curation. Allele origin: germline.
Comment: The FANCM c.2267G>A (p.R756H) variant has been reported as heterozygous in at least three individuals with high-grade serous ovarian cancer (PMID: 28881617). This variant is also reported in 10 cases and 15 controls in a large dataset of 60,466 women with breast cancer, and 53,461 controls indicating no association with disease (PMID 33471991). This variant was observed in 59/10358 chromosomes in the Ashkenazi Jewish population, with no homozygotes, according to the Genome Aggregation Database (PMID: 32461654) and has been reported in ClinVar (Variation ID: 456253). In silico tools suggest the impact of the variant on protein function is benign, though these predictions have not been confirmed by functional studies. Based on the current evidence available, this variant is interpreted as a variant of uncertain significance.

PreventionGenetics, part of Exact Sciences
Classification: Likely benign for FANCM-related condition. Last evaluated: 2022-04-11. Review status: no assertion criteria provided. Collection method: clinical testing. Allele origin: germline. Not counted in ClinVar's aggregate classification.
Comment: This variant is classified as likely benign based on ACMG/AMP sequence variant interpretation guidelines (Richards et al. 2015 PMID: 25741868, with internal and published modifications).

Literature cited by the submitters: PubMed 28881617 (cited by Quest Diagnostics Nichols Institute San Juan Capistrano and Sema4); PubMed 33471991 (cited by Quest Diagnostics Nichols Institute San Juan Capistrano and Sema4).